The following is an entry in ClinVar:

ClinVar aggregate classification (germline): Uncertain significance. Review status: criteria provided, multiple submitters, no conflicts (2 of 4 stars). 2 submissions from 2 submitters: Uncertain significance (2). Last evaluated 2022-10-09.

Submissions (2):

GeneDx
Classification: Uncertain significance. Last evaluated: 2022-10-09. Review status: criteria provided, single submitter. Criteria: GeneDx Variant Classification Process June 2021. Collection method: clinical testing. Allele origin: germline. Affected: yes.
Comment: Not observed at significant frequency in large population cohorts (gnomAD); In silico analysis supports that this missense variant has a deleterious effect on protein structure/function; Has not been previously published as pathogenic or benign to our knowledge

Labcorp Genetics (formerly Invitae), Labcorp
Classification: Uncertain significance. Last evaluated: 2022-08-23. Review status: criteria provided, single submitter. Criteria: Invitae Variant Classification Sherloc (09022015). Collection method: clinical testing. Allele origin: germline.
Comment: This variant has not been reported in the literature in individuals affected with CLCN4-related conditions. This variant is not present in population databases (gnomAD no frequency). This sequence change replaces leucine, which is neutral and non-polar, with proline, which is neutral and non-polar, at codon 279 of the CLCN4 protein (p.Leu279Pro). Algorithms developed to predict the effect of missense changes on protein structure and function (SIFT, PolyPhen-2, Align-GVGD) all suggest that this variant is likely to be disruptive. ClinVar contains an entry for this variant (Variation ID: 1487951). In summary, the available evidence is currently insufficient to determine the role of this variant in disease. Therefore, it has been classified as a Variant of Uncertain Significance.

NM_001830.4(CLCN4):c.836T>C (p.Leu279Pro)

Gene: CLCN4 (chloride voltage-gated channel 4; plus strand). Cytogenetic location: Xp22.2.
Variant type: single nucleotide variant.
Coding change: c.836T>C on transcript NM_001830.4 (MANE Select); coding-DNA position 836, T replaced by C.
Protein change: p.Leu279Pro; replaces leucine 279 with proline.
Molecular consequence: missense variant.
Genome position (GRCh38, 1-based): chrX:10,206,769, T>C. VCF-style: chrX-10206769-T-C. GRCh37 (hg19) VCF-style: chrX-10174809-T-C.
Other names: c.836T>C (NM_001830.3); c.554T>C, p.Leu185Pro (NM_001256944.2); short protein forms L185P, L279P.
Identifiers: ClinVar variation 1487951 (VCV001487951.7), dbSNP rs2147178658, ClinGen allele CA412037250.